The following is an entry in ClinVar:

ClinVar aggregate classification (germline): Conflicting classifications of pathogenicity. Review status: criteria provided, conflicting classifications (1 of 4 stars). 5 submissions from 5 submitters: Uncertain significance (1); Likely benign (4). Last evaluated 2026-01-15.

Conditions:
Hereditary spastic paraplegia 39 (SPG39). Also called: SPASTIC PARAPLEGIA 39, AUTOSOMAL RECESSIVE; Spastic Paraplegia Type 39 (SPG39). Identifiers: Orphanet 139480, MedGen C2677586, MONDO:0012787, OMIM 612020.

Allele frequency attached by ClinVar (database versions not stated): gnomAD exomes 0.00001 and 0.00004; TOPMed 0.00006; gnomAD 0.00007; ExAC 0.00010.

Submissions (5):

Labcorp Genetics (formerly Invitae), Labcorp
Classification: Likely benign for Hereditary spastic paraplegia 39. Last evaluated: 2026-01-15. Review status: criteria provided, single submitter. Criteria: Invitae Variant Classification Sherloc (09022015). Collection method: clinical testing. Allele origin: germline.

CeGaT Center for Human Genetics Tuebingen
Classification: Likely benign. Last evaluated: 2025-10-01. Review status: criteria provided, single submitter. Criteria: CeGaT Center For Human Genetics Tuebingen Variant Classification Criteria Version 2. Collection method: clinical testing. Allele origin: germline. Affected: yes. Observed: 1 variant allele.
Comment: PNPLA6: BP4, BP7

Blueprint Genetics
Classification: Likely benign. Last evaluated: 2024-11-27. Review status: criteria provided, single submitter. Criteria: ACMG Guidelines, 2015. Collection method: clinical testing. Allele origin: germline.

Athena Diagnostics
Classification: Likely benign. Last evaluated: 2021-03-19. Review status: criteria provided, single submitter. Criteria: Athena Diagnostics criteria. Collection method: clinical testing. Allele origin: unknown.

Illumina Laboratory Services, Illumina
Classification: Uncertain significance for Hereditary spastic paraplegia 39. Last evaluated: 2018-01-13. Review status: criteria provided, single submitter. Criteria: ICSL Variant Classification Criteria 13 December 2019. Collection method: clinical testing. Allele origin: germline.

NM_001166114.2(PNPLA6):c.3450G>A (p.Gly1150=)

Gene: PNPLA6 (patatin like domain 6, lysophospholipase; plus strand). Cytogenetic location: 19p13.2.
Variant type: single nucleotide variant.
Coding change: c.3450G>A on transcript NM_001166114.2 (MANE Select); coding-DNA position 3450, G replaced by A.
Protein change: p.Gly1150=; no amino-acid change (glycine 1150 retained).
Molecular consequence: synonymous variant.
Genome position (GRCh38, 1-based): chr19:7,558,902, G>A. VCF-style: chr19-7558902-G-A. GRCh37 (hg19) VCF-style: chr19-7623788-G-A.
Other names: c.3480G>A, p.Gly1160= (NM_001166111.2); c.3255G>A, p.Gly1085= (NM_001166112.2); c.3336G>A, p.Gly1112= (NM_001166113.1, NM_006702.5).
Identifiers: ClinVar variation 240697 (VCV000240697.24), dbSNP rs367675784, ClinGen allele CA9140492.